The following is an entry in ClinVar:

NM_003998.4(NFKB1):c.2556T>G (p.Ser852Arg)

Gene: NFKB1 (nuclear factor kappa B subunit 1; plus strand). Cytogenetic location: 4q24.
Variant type: single nucleotide variant.
Coding change: c.2556T>G on transcript NM_003998.4 (MANE Select); coding-DNA position 2556, T replaced by G.
Protein change: p.Ser852Arg; replaces serine 852 with arginine.
Molecular consequence: missense variant.
Genome position (GRCh38, 1-based): chr4:102,612,570, T>G. VCF-style: chr4-102612570-T-G. GRCh37 (hg19) VCF-style: chr4-103533727-T-G.
Other names: c.2553T>G, p.Ser851Arg (NM_001165412.2, NM_001319226.2, NM_001382627.1); c.2556T>G, p.Ser852Arg (NM_001382625.1, NM_001382626.1); c.2514T>G, p.Ser838Arg (NM_001382628.1); short protein forms S838R, S851R, S852R.
Identifiers: ClinVar variation 3902890 (VCV003902890.3).

ClinVar aggregate classification (germline): Uncertain significance. Review status: criteria provided, multiple submitters, no conflicts (2 of 4 stars). 3 submissions from 3 submitters: Uncertain significance (3). Last evaluated 2026-09-01.

Conditions:
Inborn genetic diseases. Identifiers: MedGen C0950123, MeSH D030342.

gnomAD v4.1: 6 of 1,613,852 alleles (0.00037%); highest among the groups gnomAD compares: Non-Finnish European, 0.00051%; no homozygotes.

Submissions (3):

Ambry Genetics
Classification: Uncertain significance for Inborn genetic diseases. Last evaluated: 2026-09-01. Review status: criteria provided, single submitter. Criteria: Ambry Variant Classification Scheme 2023. Collection method: clinical testing. Allele origin: germline.

Labcorp Genetics (formerly Invitae), Labcorp
Classification: Uncertain significance. Last evaluated: 2025-09-29. Review status: criteria provided, single submitter. Criteria: Invitae Variant Classification Sherloc (09022015). Collection method: clinical testing. Allele origin: germline.
Comment: This sequence change replaces serine, which is neutral and polar, with arginine, which is basic and polar, at codon 852 of the NFKB1 protein (p.Ser852Arg). This variant is present in population databases (rs147169338, gnomAD 0.0009%). This variant has not been reported in the literature in individuals affected with NFKB1-related conditions. ClinVar contains an entry for this variant (Variation ID: 3902890). Invitae Evidence Modeling of protein sequence and biophysical properties (such as structural, functional, and spatial information, amino acid conservation, physicochemical variation, residue mobility, and thermodynamic stability) has been performed for this missense variant. However, the output from this modeling did not meet the statistical confidence thresholds required to predict the impact of this variant on NFKB1 protein function. In summary, the available evidence is currently insufficient to determine the role of this variant in disease. Therefore, it has been classified as a Variant of Uncertain Significance.

GeneDx
Classification: Uncertain significance. Last evaluated: 2024-12-12. Review status: criteria provided, single submitter. Criteria: GeneDx Variant Classification Process June 2021. Collection method: clinical testing. Allele origin: germline. Affected: yes.
Comment: Not observed at significant frequency in large population cohorts (gnomAD); In silico analysis indicates that this missense variant does not alter protein structure/function; Has not been previously published as pathogenic or benign to our knowledge